The following is an entry in ClinVar:

ClinVar aggregate classification (germline): Uncertain significance (1 of 4 stars; one submission).

Conditions:
Adams-Oliver syndrome 5 (AOS5). Identifiers: Orphanet 974, MedGen C4014970, MONDO:0014459, OMIM 616028.

gnomAD v4.1: 1 of 1,612,556 alleles (0.000062%); no homozygotes.

Submission:

Labcorp Genetics (formerly Invitae), Labcorp
Classification: Uncertain significance for Adams-Oliver syndrome 5. Last evaluated: 2025-10-26. Review status: criteria provided, single submitter. Criteria: Invitae Variant Classification Sherloc (09022015). Collection method: clinical testing. Allele origin: germline.
Comment: This sequence change replaces serine, which is neutral and polar, with proline, which is neutral and non-polar, at codon 847 of the NOTCH1 protein (p.Ser847Pro). This variant is not present in population databases (gnomAD no frequency). This variant has not been reported in the literature in individuals affected with NOTCH1-related conditions. Invitae Evidence Modeling of protein sequence and biophysical properties (such as structural, functional, and spatial information, amino acid conservation, physicochemical variation, residue mobility, and thermodynamic stability) indicates that this missense variant is not expected to disrupt NOTCH1 protein function with a negative predictive value of 95%. In summary, the available evidence is currently insufficient to determine the role of this variant in disease. Therefore, it has been classified as a Variant of Uncertain Significance.

NM_017617.5(NOTCH1):c.2539T>C (p.Ser847Pro)

Gene: NOTCH1 (notch receptor 1; minus strand). Cytogenetic location: 9q34.3.
Variant type: single nucleotide variant.
Coding change: c.2539T>C on transcript NM_017617.5 (MANE Select); coding-DNA position 2539, T replaced by C.
Protein change: p.Ser847Pro; replaces serine 847 with proline.
Molecular consequence: missense variant.
Genome position (GRCh38, 1-based): chr9:136,511,200, A>G on the plus strand (T>C on the coding strand, the complement: NOTCH1 is on the minus strand). VCF-style: chr9-136511200-A-G. GRCh37 (hg19) VCF-style: chr9-139405652-A-G.
Other names: short protein forms S847P.
Identifiers: ClinVar variation 4739435 (VCV004739435.1).
Genomic context (GRCh38, chr9:136,511,200, plus strand): 5'-GGCCAGCCTCACCTTGCCAGCCCGTGGGGCAGACACAGGAGAAGCTCTCATAGTCCTCGG[A>G]TTGCCTGCACTCCCCGCCGTTTCTGCAGGGGCTGGGGGCACACGGGGCCAGCACCACCTC-3'
Protein context (NP_060087.3, residues 837-857): PCRNGGECRQ[Ser847Pro]EDYESFSCVC